The following is an entry in ClinVar:

ClinVar aggregate classification (germline): Uncertain significance (1 of 4 stars; one submission).

Submission:

Labcorp Genetics (formerly Invitae), Labcorp
Classification: Uncertain significance. Last evaluated: 2022-02-15. Review status: criteria provided, single submitter. Criteria: Invitae Variant Classification Sherloc (09022015). Collection method: clinical testing. Allele origin: germline.
Comment: This sequence change replaces arginine, which is basic and polar, with histidine, which is basic and polar, at codon 1222 of the GRIN2D protein (p.Arg1222His). The frequency data for this variant in the population databases is considered unreliable, as metrics indicate insufficient coverage at this position in the gnomAD database. This variant has not been reported in the literature in individuals affected with GRIN2D-related conditions. Advanced modeling of protein sequence and biophysical properties (such as structural, functional, and spatial information, amino acid conservation, physicochemical variation, residue mobility, and thermodynamic stability) performed at Invitae indicates that this missense variant is not expected to disrupt GRIN2D protein function. In summary, the available evidence is currently insufficient to determine the role of this variant in disease. Therefore, it has been classified as a Variant of Uncertain Significance.

NM_000836.4(GRIN2D):c.3665G>A (p.Arg1222His)

Gene: GRIN2D (glutamate ionotropic receptor NMDA type subunit 2D; plus strand). Cytogenetic location: 19q13.33.
Variant type: single nucleotide variant.
Coding change: c.3665G>A on transcript NM_000836.4 (MANE Select); coding-DNA position 3665, G replaced by A.
Protein change: p.Arg1222His; replaces arginine 1222 with histidine.
Molecular consequence: missense variant.
Genome position (GRCh38, 1-based): chr19:48,443,591, G>A. VCF-style: chr19-48443591-G-A. GRCh37 (hg19) VCF-style: chr19-48946848-G-A.
Other names: short protein forms R1222H.
Identifiers: ClinVar variation 2097748 (VCV002097748.4), dbSNP rs1971336809, ClinGen allele CA406677431.